The following is an entry in ClinVar:

ClinVar aggregate classification (germline): Uncertain significance (1 of 4 stars; one submission).

Conditions:
FOXA2-related disorder. Also called: FOXA2-related condition.

Submission:

3billion
Classification: Uncertain significance for FOXA2-related disorder. Last evaluated: 2026-01-22. Review status: criteria provided, single submitter. Criteria: ACMG Guidelines, 2015. Collection method: clinical testing. Allele origin: germline. Affected: yes.
Comment: The variant is observed at an extremely low frequency in the gnomAD v4.1.0 dataset (total allele frequency: <0.001%). Predicted Consequence/Location: Frameshift: predicted to result in a loss or disruption of normal protein function through protein truncation. The predicted truncated protein may be shortened by more than 10%. Therefore, this variant is classified as VUS according to the recommendation of ACMG/AMP guideline.

NM_021784.5(FOXA2):c.363del (p.Gln122fs)

Gene: FOXA2 (forkhead box A2; minus strand). Cytogenetic location: 20p11.21.
Variant type: Deletion.
Coding change: c.363del on transcript NM_021784.5 (MANE Select); coding-DNA position 363, one base deleted (G; older notation c.363delG).
Protein change: p.Gln122fs; shifts the reading frame from glutamine 122.
Molecular consequence: frameshift variant.
Genome position (GRCh38, 1-based): chr20:22,582,879, C deleted on the plus strand (G on the coding strand, the reverse complement: FOXA2 is on the minus strand); the first of 6 consecutive C bases (chr20:22,582,879-22,582,884); deleting any one gives the same sequence. VCF-style (leftmost placement, unchanged base first): chr20-22582878-GC-G. GRCh37 (hg19) VCF-style: chr20-22563516-GC-G.
Other names: c.345del, p.Gln116fs (NM_153675.3); short protein forms Q116fs, Q122fs.
Identifiers: ClinVar variation 4853880 (VCV004853880.1).